The following is an entry in ClinVar:

ClinVar aggregate classification (germline): Uncertain significance (1 of 4 stars; one submission).

Conditions:
Primary ciliary dyskinesia. Also called: Ciliary dyskinesia. Identifiers: Orphanet 244, MedGen C0008780, MONDO:0016575, HP:0012265.

Allele frequency attached by ClinVar (database versions not stated): gnomAD exomes below 0.00001.
gnomAD v4.1: 1 of 1,613,896 alleles (0.000062%); highest among the groups gnomAD compares: East Asian, 0.0022%; no homozygotes.

Submission:

Labcorp Genetics (formerly Invitae), Labcorp
Classification: Uncertain significance for Primary ciliary dyskinesia. Last evaluated: 2022-10-21. Review status: criteria provided, single submitter. Criteria: Invitae Variant Classification Sherloc (09022015). Collection method: clinical testing. Allele origin: germline.
Comment: This sequence change replaces tyrosine, which is neutral and polar, with cysteine, which is neutral and slightly polar, at codon 2706 of the DNAH11 protein (p.Tyr2706Cys). This variant is not present in population databases (gnomAD no frequency). This variant has not been reported in the literature in individuals affected with DNAH11-related conditions. ClinVar contains an entry for this variant (Variation ID: 410878). Advanced modeling of protein sequence and biophysical properties (such as structural, functional, and spatial information, amino acid conservation, physicochemical variation, residue mobility, and thermodynamic stability) performed at Invitae indicates that this missense variant is not expected to disrupt DNAH11 protein function. In summary, the available evidence is currently insufficient to determine the role of this variant in disease. Therefore, it has been classified as a Variant of Uncertain Significance.

NM_001277115.2(DNAH11):c.8117A>G (p.Tyr2706Cys)

Gene: DNAH11 (dynein axonemal heavy chain 11; plus strand). Cytogenetic location: 7p15.3.
Variant type: single nucleotide variant.
Coding change: c.8117A>G on transcript NM_001277115.2 (MANE Select); coding-DNA position 8117, A replaced by G.
Protein change: p.Tyr2706Cys; replaces tyrosine 2706 with cysteine.
Molecular consequence: missense variant.
Genome position (GRCh38, 1-based): chr7:21,742,129, A>G. VCF-style: chr7-21742129-A-G. GRCh37 (hg19) VCF-style: chr7-21781747-A-G.
Other names: short protein forms Y2706C.
Identifiers: ClinVar variation 410878 (VCV000410878.8), dbSNP rs1060503066, ClinGen allele CA16612077.